The following is an entry in ClinVar:

NM_004006.3(DMD):c.2756A>G (p.Lys919Arg)

Gene: DMD (dystrophin; minus strand). Cytogenetic location: Xp21.1.
Variant type: single nucleotide variant.
Coding change: c.2756A>G on transcript NM_004006.3 (MANE Select); coding-DNA position 2756, A replaced by G.
Protein change: p.Lys919Arg; replaces lysine 919 with arginine.
Molecular consequence: missense variant.
Genome position (GRCh38, 1-based): chrX:32,484,966, T>C on the plus strand (A>G on the coding strand, the complement: DMD is on the minus strand). VCF-style: chrX-32484966-T-C. GRCh37 (hg19) VCF-style: chrX-32503083-T-C.
Other names: c.2732A>G, p.Lys911Arg (NM_000109.4); c.2744A>G, p.Lys915Arg (NM_004009.3); c.2387A>G, p.Lys796Arg (NM_004010.3); short protein forms K796R, K911R, K915R, K919R.
Identifiers: ClinVar variation 2121618 (VCV002121618.5), dbSNP rs1603634605, ClinGen allele CA412670734.

ClinVar aggregate classification (germline): Conflicting classifications of pathogenicity. Review status: criteria provided, conflicting classifications (1 of 4 stars). 2 submissions from 2 submitters: Uncertain significance (1); Likely benign (1). Last evaluated 2025-12-26.

Conditions:
Cardiovascular phenotype. Identifiers: MedGen CN230736.
Duchenne muscular dystrophy (DMD). Also called: MUSCULAR DYSTROPHY, PSEUDOHYPERTROPHIC PROGRESSIVE, DUCHENNE TYPE; Duchenne Muscular Dystrophy (DMD). Identifiers: Orphanet 98896, MedGen C0013264, MONDO:0010679, OMIM 310200.

gnomAD v4.1: 1 of 1,211,634 alleles (0.000083%); highest among the groups gnomAD compares: East Asian, 0.003%; no homozygotes.

Submissions (2):

Ambry Genetics
Classification: Likely benign for Cardiovascular phenotype. Last evaluated: 2025-12-26. Review status: criteria provided, single submitter. Criteria: Ambry Variant Classification Scheme 2023. Collection method: clinical testing. Allele origin: germline.

Labcorp Genetics (formerly Invitae), Labcorp
Classification: Uncertain significance for Duchenne muscular dystrophy. Last evaluated: 2023-04-28. Review status: criteria provided, single submitter. Criteria: Invitae Variant Classification Sherloc (09022015). Collection method: clinical testing. Allele origin: germline.
Comment: This sequence change replaces lysine, which is basic and polar, with arginine, which is basic and polar, at codon 919 of the DMD protein (p.Lys919Arg). This variant is not present in population databases (gnomAD no frequency). This variant has not been reported in the literature in individuals affected with DMD-related conditions. ClinVar contains an entry for this variant (Variation ID: 2121618). Advanced modeling of protein sequence and biophysical properties (such as structural, functional, and spatial information, amino acid conservation, physicochemical variation, residue mobility, and thermodynamic stability) performed at Invitae indicates that this missense variant is not expected to disrupt DMD protein function. In summary, the available evidence is currently insufficient to determine the role of this variant in disease. Therefore, it has been classified as a Variant of Uncertain Significance.